The following is an entry in ClinVar:

ClinVar aggregate classification (germline): Pathogenic (1 of 4 stars; one submission).

Submission:

Labcorp Genetics (formerly Invitae), Labcorp
Classification: Pathogenic. Last evaluated: 2017-07-29. Review status: criteria provided, single submitter. Criteria: Invitae Variant Classification Sherloc (09022015). Collection method: clinical testing. Allele origin: germline.
Comment: For these reasons, this variant has been classified as Pathogenic. Loss-of-function variants in HERC1 are known to be pathogenic (PMID: 26138117, 26153217, 27108999). This variant has not been reported in the literature in individuals with HERC1-related disease. This sequence change is a complex rearrangement involving a duplication of exons 15-49 inserted into intron 51, followed by a deletion of exons 52-54. Although the exact nature of the event is unknown, it is expected to result in an absent or disrupted protein product.

Literature cited by the submitters: PubMed 26138117; PubMed 26153217; PubMed 27108999.

NC_000015.9:g.(?_63941924)_(63944740_?)del

Gene: HERC1 (HECT and RLD domain containing E3 ubiquitin protein ligase family member 1; minus strand). Cytogenetic location: 15q22.31.
Variant type: Deletion.
Identifiers: ClinVar variation 1073073 (VCV001073073.8).